The following is an entry in ClinVar:

ClinVar aggregate classification (germline): Likely benign. Review status: criteria provided, multiple submitters, no conflicts (2 of 4 stars). 3 submissions from 3 submitters: Likely benign (2). 1 of the submissions does not count toward it. Last evaluated 2025-12-06.

Conditions:
DNAAF5-related disorder. Also called: DNAAF5-related condition.
Primary ciliary dyskinesia. Also called: Ciliary dyskinesia. Identifiers: Orphanet 244, MedGen C0008780, MONDO:0016575, HP:0012265.

Allele frequency attached by ClinVar (database versions not stated): TOPMed 0.00010; gnomAD 0.00013; 1000 Genomes Project 30x 0.00016; 1000 Genomes Project 0.00020; gnomAD exomes 0.00020 and 0.00030; ExAC 0.00048.
gnomAD v4.1: 309 of 1,613,702 alleles (0.019%); highest among the groups gnomAD compares: South Asian, 0.023%; no homozygotes.

Submissions (3):

Labcorp Genetics (formerly Invitae), Labcorp
Classification: Likely benign for Primary ciliary dyskinesia. Last evaluated: 2025-12-06. Review status: criteria provided, single submitter. Criteria: Invitae Variant Classification Sherloc (09022015). Collection method: clinical testing. Allele origin: germline.

Ambry Genetics
Classification: Likely benign for Primary ciliary dyskinesia. Last evaluated: 2024-06-12. Review status: criteria provided, single submitter. Criteria: Ambry Variant Classification Scheme 2023. Collection method: clinical testing. Allele origin: germline.

PreventionGenetics, part of Exact Sciences
Classification: Likely benign for DNAAF5-related condition. Last evaluated: 2023-03-20. Review status: no assertion criteria provided. Collection method: clinical testing. Allele origin: germline. Not counted in ClinVar's aggregate classification.
Comment: This variant is classified as likely benign based on ACMG/AMP sequence variant interpretation guidelines (Richards et al. 2015 PMID: 25741868, with internal and published modifications).

NM_017802.4(DNAAF5):c.1812C>T (p.His604=)

Gene: DNAAF5 (dynein axonemal assembly factor 5; plus strand). Cytogenetic location: 7p22.3.
Variant type: single nucleotide variant.
Coding change: c.1812C>T on transcript NM_017802.4 (MANE Select); coding-DNA position 1812, C replaced by T.
Protein change: p.His604=; no amino-acid change (histidine 604 retained).
Molecular consequence: synonymous variant. On other transcripts: non-coding transcript variant (1).
Genome position (GRCh38, 1-based): chr7:770,499, C>T. VCF-style: chr7-770499-C-T. GRCh37 (hg19) VCF-style: chr7-810136-C-T.
Identifiers: ClinVar variation 416079 (VCV000416079.12), dbSNP rs190772196, ClinGen allele CA4110938.
Genomic context (GRCh38, chr7:770,499, plus strand): 5'-CCGTGCACAGGAGCCTCTGTTGTGTCTTACAGGCCCTGCCCTGGGAGAAGCCCTGCCACA[C>T]GTCGTGCCCACGCTGAGGGCCTGTCTGCAGCCCTCCCAAGACCCGCAGATGCGCCTGAAG-3'
Protein context (NP_060272.3, residues 594-614): SGPALGEALP[His604=]VVPTLRACLQ